The following is an entry in ClinVar:

NM_000257.4(MYH7):c.3343A>G (p.Ile1115Val)

Gene: MYH7 (myosin heavy chain 7; minus strand). Cytogenetic location: 14q11.2.
Variant type: single nucleotide variant.
Coding change: c.3343A>G on transcript NM_000257.4 (MANE Select); coding-DNA position 3343, A replaced by G.
Protein change: p.Ile1115Val; replaces isoleucine 1115 with valine.
Molecular consequence: missense variant.
Genome position (GRCh38, 1-based): chr14:23,420,228, T>C on the plus strand (A>G on the coding strand, the complement: MYH7 is on the minus strand). VCF-style: chr14-23420228-T-C. GRCh37 (hg19) VCF-style: chr14-23889437-T-C.
Other names: short protein forms I1115V.
Identifiers: ClinVar variation 1495012 (VCV001495012.8), dbSNP rs2138654702, ClinGen allele CA389044206.

ClinVar aggregate classification (germline): Uncertain significance (1 of 4 stars; one submission).

Conditions:
Hypertrophic cardiomyopathy. Also called: HYPERTROPHIC MYOCARDIOPATHY. Identifiers: Orphanet 217569, MedGen C0007194, MeSH D002312, MONDO:0005045, HP:0001639.

Submission:

Labcorp Genetics (formerly Invitae), Labcorp
Classification: Uncertain significance for Hypertrophic cardiomyopathy. Last evaluated: 2020-12-19. Review status: criteria provided, single submitter. Criteria: Invitae Variant Classification Sherloc (09022015). Collection method: clinical testing. Allele origin: germline.
Comment: In summary, the available evidence is currently insufficient to determine the role of this variant in disease. Therefore, it has been classified as a Variant of Uncertain Significance. Algorithms developed to predict the effect of missense changes on protein structure and function output the following: SIFT: "Deleterious"; PolyPhen-2: "Benign"; Align-GVGD: "Class C0". The valine amino acid residue is found in multiple mammalian species, suggesting that this missense change does not adversely affect protein function. These predictions have not been confirmed by published functional studies and their clinical significance is uncertain. This variant has not been reported in the literature in individuals with MYH7-related conditions. This variant is not present in population databases (ExAC no frequency). This sequence change replaces isoleucine with valine at codon 1115 of the MYH7 protein (p.Ile1115Val). The isoleucine residue is highly conserved and there is a small physicochemical difference between isoleucine and valine.